The following is an entry in ClinVar:

ClinVar aggregate classification (germline): Likely benign. Review status: criteria provided, multiple submitters, no conflicts (2 of 4 stars). 6 submissions from 6 submitters: Likely benign (5). 1 of the submissions does not count toward it. Last evaluated 2026-01-21.

Conditions:
Inborn genetic diseases. Identifiers: MedGen C0950123, MeSH D030342.
Wilson disease (WND). Also called: Wilson's disease. Identifiers: Orphanet 905, MedGen C0019202, MONDO:0010200, OMIM 277900. Disease mechanism: loss of function.

Allele frequency attached by ClinVar (database versions not stated): gnomAD below 0.00001 and 0.00006; TOPMed below 0.00001; gnomAD exomes 0.00006 and 0.00011; ExAC 0.00017; 1000 Genomes Project 30x 0.00078; 1000 Genomes Project 0.00080.
gnomAD v4.1: 101 of 1,614,180 alleles (0.0063%); highest among the groups gnomAD compares: South Asian, 0.11%; no homozygotes.

Submissions (6):

Labcorp Genetics (formerly Invitae), Labcorp
Classification: Likely benign for Wilson disease. Last evaluated: 2026-01-21. Review status: criteria provided, single submitter. Criteria: Invitae Variant Classification Sherloc (09022015). Collection method: clinical testing. Allele origin: germline.

Blueprint Genetics
Classification: Likely benign. Last evaluated: 2024-11-22. Review status: criteria provided, single submitter. Criteria: ACMG Guidelines, 2015. Collection method: clinical testing. Allele origin: germline.

All of Us Research Program, National Institutes of Health
Classification: Likely benign for Wilson disease. Last evaluated: 2023-12-13. Review status: criteria provided, single submitter. Criteria: ACMG Guidelines, 2015. Collection method: clinical testing. Allele origin: germline. Inheritance: Autosomal recessive inheritance. Observed: 5 variant alleles, 5 heterozygotes.
Comment: This study involves interpretation of variants in research participants for the purpose of population health screening. Participant phenotype was not available at the time of variant classification. Additional details can be found in publication PMID: 35346344, PMCID: PMC8962531

Color Diagnostics, LLC DBA Color Health
Classification: Likely benign for Wilson disease. Last evaluated: 2023-02-28. Review status: criteria provided, single submitter. Criteria: ACMG Guidelines, 2015. Collection method: clinical testing. Allele origin: germline.

Ambry Genetics
Classification: Likely benign for Inborn genetic diseases. Last evaluated: 2022-07-25. Review status: criteria provided, single submitter. Criteria: Ambry Variant Classification Scheme 2023. Collection method: clinical testing. Allele origin: germline.

Natera, Inc.
Classification: Uncertain significance for Wilson disease. Last evaluated: 2020-04-15. Review status: no assertion criteria provided. Collection method: clinical testing. Allele origin: germline. Not counted in ClinVar's aggregate classification.

NM_000053.4(ATP7B):c.1401T>G (p.Pro467=)

Gene: ATP7B (ATPase copper transporting beta; minus strand). Cytogenetic location: 13q14.3.
Variant type: single nucleotide variant.
Coding change: c.1401T>G on transcript NM_000053.4 (MANE Select); coding-DNA position 1401, T replaced by G.
Protein change: p.Pro467=; no amino-acid change (proline 467 retained).
Molecular consequence: synonymous variant.
Genome position (GRCh38, 1-based): chr13:51,970,634, A>C on the plus strand (T>G on the coding strand, the complement: ATP7B is on the minus strand). VCF-style: chr13-51970634-A-C. GRCh37 (hg19) VCF-style: chr13-52544770-A-C.
Other names: c.1401T>G, p.Pro467= (NM_001005918.3, NM_001330578.2, NM_001330579.2); c.1068T>G, p.Pro356= (NM_001243182.2).
Identifiers: ClinVar variation 792986 (VCV000792986.16), dbSNP rs529527733, ClinGen allele CA6989357.